The following is an entry in ClinVar:

ClinVar aggregate classification (germline): Uncertain significance (1 of 4 stars; one submission).

Submission:

GeneDx
Classification: Uncertain significance. Last evaluated: 2025-05-06. Review status: criteria provided, single submitter. Criteria: GeneDx Variant Classification Process June 2021. Collection method: clinical testing. Allele origin: germline. Affected: yes.
Comment: Not observed at significant frequency in large population cohorts (gnomAD); In silico analysis supports that this missense variant has a deleterious effect on protein structure/function; Has not been previously published as pathogenic or benign to our knowledge

NM_173689.7(CRB2):c.359G>A (p.Gly120Glu)

Gene: CRB2 (crumbs cell polarity complex component 2; plus strand). Cytogenetic location: 9q33.3.
Variant type: single nucleotide variant.
Coding change: c.359G>A on transcript NM_173689.7 (MANE Select); coding-DNA position 359, G replaced by A.
Protein change: p.Gly120Glu; replaces glycine 120 with glutamic acid.
Molecular consequence: missense variant.
Genome position (GRCh38, 1-based): chr9:123,363,129, G>A. VCF-style: chr9-123363129-G-A. GRCh37 (hg19) VCF-style: chr9-126125408-G-A.
Other names: short protein forms G120E.
Identifiers: ClinVar variation 4527740 (VCV004527740.1).